The following is an entry in ClinVar:

NM_001378615.1(CC2D2A):c.2338+3A>T

Genes: CC2D2A (coiled-coil and C2 domain containing 2A; plus strand), FBXL5 (F-box and leucine rich repeat protein 5; minus strand). Cytogenetic location: 4p15.32.
Variant type: single nucleotide variant.
Coding change: c.2338+3A>T on transcript NM_001378615.1 (MANE Select); 3 bases into the intron after coding-DNA position 2338, A replaced by T.
Molecular consequence: intron variant.
Genome position (GRCh38, 1-based): chr4:15,550,983, A>T. VCF-style: chr4-15550983-A-T. GRCh37 (hg19) VCF-style: chr4-15552606-A-T.
Other names: c.2338+3A>T (NM_001080522.2); c.2191+3A>T (NM_001378617.1).
Identifiers: ClinVar variation 2002923 (VCV002002923.4), dbSNP rs2475019896, ClinGen allele CA2580070907.

ClinVar aggregate classification (germline): Uncertain significance (1 of 4 stars; one submission).

Conditions:
Joubert syndrome. Also called: JOUBERT-BOLTSHAUSER SYNDROME; Familial aplasia of the vermis. Identifiers: Orphanet 475, MedGen C5979921, MONDO:0018772.
Meckel-Gruber syndrome. Also called: DYSENCEPHALIA SPLANCHNOCYSTICA; GRUBER SYNDROME; Dysencephalia splachnocystica. Identifiers: Orphanet 564, MedGen C0265215, MONDO:0018921.

Submission:

Labcorp Genetics (formerly Invitae), Labcorp
Classification: Uncertain significance for Joubert syndrome; Meckel-Gruber syndrome. Last evaluated: 2022-06-07. Review status: criteria provided, single submitter. Criteria: Invitae Variant Classification Sherloc (09022015). Collection method: clinical testing. Allele origin: germline.
Comment: This sequence change falls in intron 19 of the CC2D2A gene. It does not directly change the encoded amino acid sequence of the CC2D2A protein. It affects a nucleotide within the consensus splice site. This variant is not present in population databases (gnomAD no frequency). This variant has not been reported in the literature in individuals affected with CC2D2A-related conditions. Variants that disrupt the consensus splice site are a relatively common cause of aberrant splicing (PMID: 17576681, 9536098). Algorithms developed to predict the effect of sequence changes on RNA splicing suggest that this variant may disrupt the consensus splice site. In summary, the available evidence is currently insufficient to determine the role of this variant in disease. Therefore, it has been classified as a Variant of Uncertain Significance.

Literature cited by the submitters: PubMed 17576681; PubMed 9536098.